The following is an entry in ClinVar:

ClinVar aggregate classification (germline): Uncertain significance (1 of 4 stars; one submission).

Conditions:
Capillary malformation-arteriovenous malformation syndrome. Also called: Capillary malformation-arteriovenous malformation. Identifiers: Orphanet 137667, MedGen C1842180, MONDO:0012016.

Submission:

Labcorp Genetics (formerly Invitae), Labcorp
Classification: Uncertain significance for Capillary malformation-arteriovenous malformation syndrome. Last evaluated: 2025-04-11. Review status: criteria provided, single submitter. Criteria: Invitae Variant Classification Sherloc (09022015). Collection method: clinical testing. Allele origin: germline.
Comment: This sequence change replaces alanine, which is neutral and non-polar, with serine, which is neutral and polar, at codon 78 of the RASA1 protein (p.Ala78Ser). This variant is not present in population databases (gnomAD no frequency). This variant has not been reported in the literature in individuals affected with RASA1-related conditions. An algorithm developed to predict the effect of missense changes on protein structure and function outputs the following: PolyPhen-2: "Benign". The serine amino acid residue is found in multiple mammalian species, which suggests that this missense change does not adversely affect protein function. In summary, the available evidence is currently insufficient to determine the role of this variant in disease. Therefore, it has been classified as a Variant of Uncertain Significance.

NM_002890.3(RASA1):c.232G>T (p.Ala78Ser)

Gene: RASA1 (RAS p21 protein activator 1; plus strand). Cytogenetic location: 5q14.3.
Variant type: single nucleotide variant.
Coding change: c.232G>T on transcript NM_002890.3 (MANE Select); coding-DNA position 232, G replaced by T.
Protein change: p.Ala78Ser; replaces alanine 78 with serine.
Molecular consequence: missense variant.
Genome position (GRCh38, 1-based): chr5:87,268,683, G>T. VCF-style: chr5-87268683-G-T. GRCh37 (hg19) VCF-style: chr5-86564500-G-T.
Other names: short protein forms A78S.
Identifiers: ClinVar variation 4769752 (VCV004769752.1).